The following is an entry in ClinVar:

ClinVar aggregate classification (germline): Likely benign. Review status: criteria provided, multiple submitters, no conflicts (2 of 4 stars). 3 submissions from 3 submitters: Likely benign (3). Last evaluated 2026-03-01.

Conditions:
Intellectual developmental disorder, X-linked 1. Also called: MENTAL RETARDATION, X-LINKED 18; MENTAL RETARDATION, X-LINKED 78; Intellectual disability, X-linked 1; Atkin Flaitz Patil Smith syndrome. Identifiers: Orphanet 777, MedGen C2931498, MONDO:0010656, OMIM 309530.

Allele frequency attached by ClinVar (database versions not stated): gnomAD exomes below 0.00001 and 0.00001.
gnomAD v4.1: 3 of 1,140,577 alleles (0.00026%); highest among the groups gnomAD compares: Admixed American, 0.0028%; no homozygotes.

Submissions (3):

CeGaT Center for Human Genetics Tuebingen
Classification: Likely benign. Last evaluated: 2026-03-01. Review status: criteria provided, single submitter. Criteria: CeGaT Center For Human Genetics Tuebingen Variant Classification Criteria Version 2. Collection method: clinical testing. Allele origin: germline. Affected: yes. Observed: 1 variant allele.
Comment: IQSEC2: BP4, BP7

Labcorp Genetics (formerly Invitae), Labcorp
Classification: Likely benign for Intellectual developmental disorder, X-linked 1. Last evaluated: 2022-12-06. Review status: criteria provided, single submitter. Criteria: Invitae Variant Classification Sherloc (09022015). Collection method: clinical testing. Allele origin: germline.

GeneDx
Classification: Likely benign. Last evaluated: 2017-10-05. Review status: criteria provided, single submitter. Criteria: GeneDx Variant Classification (06012015). Collection method: clinical testing. Allele origin: germline. Affected: yes.
Comment: This variant is considered likely benign or benign based on one or more of the following criteria: it is a conservative change, it occurs at a poorly conserved position in the protein, it is predicted to be benign by multiple in silico algorithms, and/or has population frequency not consistent with disease.

NM_001111125.3(IQSEC2):c.3999C>T (p.His1333=)

Gene: IQSEC2 (IQ motif and Sec7 domain ArfGEF 2; minus strand). Cytogenetic location: Xp11.22.
Variant type: single nucleotide variant.
Coding change: c.3999C>T on transcript NM_001111125.3 (MANE Select); coding-DNA position 3999, C replaced by T.
Protein change: p.His1333=; no amino-acid change (histidine 1333 retained).
Molecular consequence: synonymous variant. On other transcripts: 3 prime UTR variant (1).
Genome position (GRCh38, 1-based): chrX:53,234,687, G>A on the plus strand (C>T on the coding strand, the complement: IQSEC2 is on the minus strand). VCF-style: chrX-53234687-G-A. GRCh37 (hg19) VCF-style: chrX-53263869-G-A.
Other names: c.*484C>T (NM_015075.2).
Identifiers: ClinVar variation 512507 (VCV000512507.13), dbSNP rs1556859096, ClinGen allele CA516673466.